The following is an entry in ClinVar:

NM_000094.4(COL7A1):c.2953T>C (p.Tyr985His)

Gene: COL7A1 (collagen type VII alpha 1 chain; minus strand). Cytogenetic location: 3p21.31.
Variant type: single nucleotide variant.
Coding change: c.2953T>C on transcript NM_000094.4 (MANE Select); coding-DNA position 2953, T replaced by C.
Protein change: p.Tyr985His; replaces tyrosine 985 with histidine.
Molecular consequence: missense variant.
Genome position (GRCh38, 1-based): chr3:48,587,459, A>G on the plus strand (T>C on the coding strand, the complement: COL7A1 is on the minus strand). VCF-style: chr3-48587459-A-G. GRCh37 (hg19) VCF-style: chr3-48624892-A-G.
Other names: short protein forms Y985H.
Identifiers: ClinVar variation 4749412 (VCV004749412.1).
Genomic context (GRCh38, chr3:48,587,459, plus strand): 5'-AAATCCTGGCCTCCCCCTCACCCTGGCCAGGGCCTCTGAGTGGCCGCCAGGATAGGATGT[A>G]GCTGGATGCCCTGGACACTGGAGTCCAGGCCAAAGTCACCGAGTCGATCGAGGTGTCCAC-3'
Protein context (NP_000085.1, residues 975-995): AWTPVSRASS[Tyr985His]ILSWRPLRGP

ClinVar aggregate classification (germline): Uncertain significance (1 of 4 stars; one submission).

gnomAD v4.1: 12 of 1,613,174 alleles (0.00074%); highest among the groups gnomAD compares: Non-Finnish European, 0.00093%; no homozygotes.

Submission:

Labcorp Genetics (formerly Invitae), Labcorp
Classification: Uncertain significance. Last evaluated: 2026-02-01. Review status: criteria provided, single submitter. Criteria: Invitae Variant Classification Sherloc (09022015). Collection method: clinical testing. Allele origin: germline.
Comment: This sequence change replaces tyrosine, which is neutral and polar, with histidine, which is basic and polar, at codon 985 of the COL7A1 protein (p.Tyr985His). This variant is not present in population databases (gnomAD no frequency). This variant has not been reported in the literature in individuals affected with COL7A1-related conditions. Invitae Evidence Modeling of protein sequence and biophysical properties (such as structural, functional, and spatial information, amino acid conservation, physicochemical variation, residue mobility, and thermodynamic stability) indicates that this missense variant is not expected to disrupt COL7A1 protein function with a negative predictive value of 95%. In summary, the available evidence is currently insufficient to determine the role of this variant in disease. Therefore, it has been classified as a Variant of Uncertain Significance.